The following is an entry in ClinVar:

NM_178857.6(RP1L1):c.83C>T (p.Thr28Ile)

Gene: RP1L1 (RP1 like 1). Cytogenetic location: 8p23.1.
Variant type: single nucleotide variant.
Coding change: c.83C>T on transcript NM_178857.6 (MANE Select); coding-DNA position 83, C replaced by T.
Protein change: p.Thr28Ile; replaces threonine 28 with isoleucine.
Molecular consequence: missense variant.
Genome position (GRCh38, 1-based): chr8:10,623,119, G>A on the plus strand (C>T on the coding strand, the complement: RP1L1 is on the minus strand). VCF-style: chr8-10623119-G-A. GRCh37 (hg19) VCF-style: chr8-10480629-G-A.
Other names: short protein forms T28I.
Identifiers: ClinVar variation 1410939 (VCV001410939.8), dbSNP rs745672527, ClinGen allele CA4625880.

ClinVar aggregate classification (germline): Uncertain significance (1 of 4 stars; one submission).

Allele frequency attached by ClinVar (database versions not stated): gnomAD exomes below 0.00001; ExAC 0.00001; gnomAD 0.00001; TOPMed 0.00002.
gnomAD v4.1: 3 of 1,612,400 alleles (0.00019%); highest among the groups gnomAD compares: Admixed American, 0.005%; no homozygotes.

Submission:

Labcorp Genetics (formerly Invitae), Labcorp
Classification: Uncertain significance. Last evaluated: 2024-10-25. Review status: criteria provided, single submitter. Criteria: Invitae Variant Classification Sherloc (09022015). Collection method: clinical testing. Allele origin: germline.
Comment: This sequence change replaces threonine, which is neutral and polar, with isoleucine, which is neutral and non-polar, at codon 28 of the RP1L1 protein (p.Thr28Ile). This variant is present in population databases (rs745672527, gnomAD 0.003%). This variant has not been reported in the literature in individuals affected with RP1L1-related conditions. ClinVar contains an entry for this variant (Variation ID: 1410939). Invitae Evidence Modeling of protein sequence and biophysical properties (such as structural, functional, and spatial information, amino acid conservation, physicochemical variation, residue mobility, and thermodynamic stability) indicates that this missense variant is not expected to disrupt RP1L1 protein function with a negative predictive value of 80%. In summary, the available evidence is currently insufficient to determine the role of this variant in disease. Therefore, it has been classified as a Variant of Uncertain Significance.